The following is an entry in ClinVar:

NM_172201.2(KCNE2):c.203T>C (p.Leu68Pro)

Genes: KCNE2 (potassium voltage-gated channel subfamily E regulatory subunit 2; plus strand), LOC105372791 (uncharacterized LOC105372791; minus strand). Cytogenetic location: 21q22.11.
Variant type: single nucleotide variant.
Coding change: c.203T>C on transcript NM_172201.2 (MANE Select); coding-DNA position 203, T replaced by C.
Protein change: p.Leu68Pro; replaces leucine 68 with proline.
Molecular consequence: missense variant. On other transcripts: non-coding transcript variant (2).
Genome position (GRCh38, 1-based): chr21:34,370,681, T>C. VCF-style: chr21-34370681-T-C. GRCh37 (hg19) VCF-style: chr21-35742980-T-C.
Other names: short protein forms L68P.
Identifiers: ClinVar variation 3532249 (VCV003532249.1).

ClinVar aggregate classification (germline): Uncertain significance (1 of 4 stars; one submission).

Conditions:
Cardiovascular phenotype. Identifiers: MedGen CN230736.

Submission:

Ambry Genetics
Classification: Uncertain significance for Cardiovascular phenotype. Last evaluated: 2024-11-23. Review status: criteria provided, single submitter. Criteria: Ambry Variant Classification Scheme 2023. Collection method: clinical testing. Allele origin: germline.
Comment: The p.L68P variant (also known as c.203T>C), located in coding exon 1 of the KCNE2 gene, results from a T to C substitution at nucleotide position 203. The leucine at codon 68 is replaced by proline, an amino acid with similar properties. This amino acid position is conserved. In addition, this alteration is predicted to be deleterious by in silico analysis. Based on the available evidence, the clinical significance of this variant remains unclear.